The following is an entry in ClinVar:

ClinVar aggregate classification (germline): Conflicting classifications of pathogenicity. Review status: criteria provided, conflicting classifications (1 of 4 stars). 3 submissions from 3 submitters: Uncertain significance (2); Likely benign (1). Last evaluated 2025-12-13.

Conditions:
Inflammatory skin and bowel disease, neonatal, 2 (NNCIS). Identifiers: Orphanet 294023, MedGen C4015130, MONDO:0014481, OMIM 616069.
Lung cancer. Also called: Lung cancer, somatic; Malignant tumor of lung. Identifiers: MedGen C0242379, MONDO:0008903, OMIM 211980.
Hereditary cancer-predisposing syndrome. Also called: Hereditary neoplastic syndrome; Neoplastic Syndromes, Hereditary; Tumor predisposition; Hereditary Cancer Syndrome. Identifiers: Orphanet 140162, MedGen C0027672, MeSH D009386, MONDO:0015356.
EGFR-related lung cancer (EGFR). Identifiers: MedGen CN130014.

Allele frequency attached by ClinVar (database versions not stated): ExAC 0.00001; gnomAD exomes 0.00002; gnomAD 0.00011; TOPMed 0.00013.
gnomAD v4.1: 25 of 1,614,056 alleles (0.0015%); highest among the groups gnomAD compares: Admixed American, 0.035%; no homozygotes.

Submissions (3):

Labcorp Genetics (formerly Invitae), Labcorp
Classification: Uncertain significance for EGFR-related lung cancer. Last evaluated: 2025-12-13. Review status: criteria provided, single submitter. Criteria: Invitae Variant Classification Sherloc (09022015). Collection method: clinical testing. Allele origin: germline.
Comment: This sequence change replaces isoleucine, which is neutral and non-polar, with threonine, which is neutral and polar, at codon 580 of the EGFR protein (p.Ile580Thr). This variant is present in population databases (rs761585117, gnomAD 0.01%). This variant has not been reported in the literature in individuals affected with EGFR-related conditions. ClinVar contains an entry for this variant (Variation ID: 1004409). Invitae Evidence Modeling of protein sequence and biophysical properties (such as structural, functional, and spatial information, amino acid conservation, physicochemical variation, residue mobility, and thermodynamic stability) indicates that this missense variant is not expected to disrupt EGFR protein function with a negative predictive value of 80%. In summary, the available evidence is currently insufficient to determine the role of this variant in disease. Therefore, it has been classified as a Variant of Uncertain Significance.

Ambry Genetics
Classification: Likely benign for Hereditary cancer-predisposing syndrome. Last evaluated: 2024-12-17. Review status: criteria provided, single submitter. Criteria: Ambry Variant Classification Scheme 2023. Collection method: clinical testing. Allele origin: germline.

Fulgent Genetics
Classification: Uncertain significance for Lung cancer; Inflammatory skin and bowel disease, neonatal, 2. Last evaluated: 2024-02-16. Review status: criteria provided, single submitter. Criteria: ACMG Guidelines, 2015. Collection method: clinical testing. Allele origin: germline.

NM_005228.5(EGFR):c.1739T>C (p.Ile580Thr)

Gene: EGFR (epidermal growth factor receptor; plus strand). Cytogenetic location: 7p11.2.
Variant type: single nucleotide variant.
Coding change: c.1739T>C on transcript NM_005228.5 (MANE Select); coding-DNA position 1739, T replaced by C.
Protein change: p.Ile580Thr; replaces isoleucine 580 with threonine.
Molecular consequence: missense variant.
Genome position (GRCh38, 1-based): chr7:55,165,296, T>C. VCF-style: chr7-55165296-T-C. GRCh37 (hg19) VCF-style: chr7-55232989-T-C.
Other names: c.1604T>C, p.Ile535Thr (NM_001346897.2, NM_001346899.2); c.1739T>C, p.Ile580Thr (NM_001346898.2, NM_201282.2, NM_201284.2); c.1580T>C, p.Ile527Thr (NM_001346900.2); c.938T>C, p.Ile313Thr (NM_001346941.2); c.1739T>C (NM_005228.3); short protein forms I313T, I527T, I535T, I580T.
Identifiers: ClinVar variation 1004409 (VCV001004409.8), dbSNP rs761585117, ClinGen allele CA4265683.